The following is an entry in ClinVar:

NC_000001.10:g.(?_215953165)_(215972487_?)dup

Gene: USH2A (usherin; minus strand). Cytogenetic location: 1q41.
Variant type: Duplication.
Identifiers: ClinVar variation 3248081 (VCV003248081.1).

ClinVar aggregate classification (germline): Uncertain significance (1 of 4 stars; one submission).

Submission:

Labcorp Genetics (formerly Invitae), Labcorp
Classification: Uncertain significance. Last evaluated: 2023-07-20. Review status: criteria provided, single submitter. Criteria: Invitae Variant Classification Sherloc (09022015). Collection method: clinical testing. Allele origin: unknown.
Comment: Experimental studies and prediction algorithms are not available or were not evaluated, and the functional significance of this variant is currently unknown. In summary, the available evidence is currently insufficient to determine the role of this variant in disease. Therefore, it has been classified as a Variant of Uncertain Significance. A similar copy number variant has been observed in individual(s) with retinitis pigmentosa (Invitae). This variant results in a copy number gain of the genomic region encompassing exon(s) 50-55 of the USH2A gene. While the exact position of this variant cannot be determined from the data, sub-genic copy number gains are generally in tandem (PMID: 25640679). This variant is predicted to be in-frame, and likely preserves the integrity of the reading frame.

Literature cited by the submitters: PubMed 25640679.